The following is an entry in ClinVar:

ClinVar aggregate classification (germline): Uncertain significance (1 of 4 stars; one submission).

Conditions:
Baller-Gerold syndrome (BGS). Also called: CRANIOSYNOSTOSIS WITH RADIAL DEFECTS. Identifiers: Orphanet 1225, MedGen C0265308, MONDO:0009039, OMIM 218600.

Submission:

Labcorp Genetics (formerly Invitae), Labcorp
Classification: Uncertain significance for Baller-Gerold syndrome. Last evaluated: 2022-06-21. Review status: criteria provided, single submitter. Criteria: Invitae Variant Classification Sherloc (09022015). Collection method: clinical testing. Allele origin: germline.
Comment: In summary, the available evidence is currently insufficient to determine the role of this variant in disease. Therefore, it has been classified as a Variant of Uncertain Significance. Algorithms developed to predict the effect of sequence changes on RNA splicing suggest that this variant may disrupt the consensus splice site. Experimental studies and prediction algorithms are not available or were not evaluated, and the functional significance of this variant is currently unknown. This variant has not been reported in the literature in individuals affected with RECQL4-related conditions. This variant is not present in population databases (gnomAD no frequency). This variant, c.1861_1875del, results in the deletion of 5 amino acid(s) of the RECQL4 protein (p.Tyr621_Cys625del), but otherwise preserves the integrity of the reading frame.

NM_004260.4(RECQL4):c.1861_1875del (p.Tyr621_Cys625del)

Gene: RECQL4 (RecQ like helicase 4; minus strand). Cytogenetic location: 8q24.3.
Variant type: Deletion.
Coding change: c.1861_1875del on transcript NM_004260.4 (MANE Select); coding-DNA positions 1861 to 1875, 15 bases deleted (TACCTGCGCGTCTGC).
Protein change: p.Tyr621_Cys625del.
Molecular consequence: inframe deletion. On other transcripts: inframe indel (26).
Genome position (GRCh38, 1-based): chr8:144,514,192-144,514,206, GCAGACGCGCAGGTA deleted on the plus strand (TACCTGCGCGTCTGC on the coding strand, the reverse complement: RECQL4 is on the minus strand); deleting any 15 consecutive bases within chr8:144,514,192-144,514,210 gives the same sequence; the c. name uses the placement nearest the transcript's 3' end. VCF-style (leftmost placement, unchanged base first): chr8-144514191-TGCAGACGCGCAGGTA-T. GRCh37 (hg19) VCF-style: chr8-145739575-TGCAGACGCGCAGGTA-T.
Other names: c.1761_1775delCTGCTACCTGCGCGT, p.Tyr589_Cys593del (NM_001413017.1, NM_001413020.1); c.1857_1871delCTGCTACCTGCGCGT, p.Tyr621_Cys625del (NM_001413018.1, NM_001413019.1, NM_001413036.1); c.786_800delCTGCTACCTGCGCGT, p.Tyr264_Cys268del (NM_001413021.1, NM_001413022.1, NM_001413023.1 and 6 more transcripts); c.1728_1742delCTGCTACCTGCGCGT, p.Tyr578_Cys582del (NM_001413025.1); c.720_734delCTGCTACCTGCGCGT, p.Tyr242_Cys246del (NM_001413027.1, NM_001413030.1, NM_001413032.1 and 1 more transcripts); c.1506_1520delCTGCTACCTGCGCGT, p.Tyr504_Cys508del (NM_001413029.1); c.588_602delCTGCTACCTGCGCGT, p.Tyr198_Cys202del (NM_001413031.1); c.1725_1739delCTGCTACCTGCGCGT, p.Tyr577_Cys581del (NM_001413033.1); and 4 more.
Identifiers: ClinVar variation 2008783 (VCV002008783.4), dbSNP rs2538037082, ClinGen allele CA2580078776.